The following is an entry in ClinVar:

ClinVar aggregate classification (germline): Uncertain significance (1 of 4 stars; one submission).

gnomAD v4.1: 2 of 1,612,600 alleles (0.00012%); highest among the groups gnomAD compares: Non-Finnish European, 0.00017%; no homozygotes.

Submission:

Labcorp Genetics (formerly Invitae), Labcorp
Classification: Uncertain significance. Last evaluated: 2024-09-01. Review status: criteria provided, single submitter. Criteria: Invitae Variant Classification Sherloc (09022015). Collection method: clinical testing. Allele origin: germline.
Comment: This sequence change falls in intron 10 of the SCP2 gene. It does not directly change the encoded amino acid sequence of the SCP2 protein. It affects a nucleotide within the consensus splice site. This variant is not present in population databases (gnomAD no frequency). This variant has not been reported in the literature in individuals affected with SCP2-related conditions. Variants that disrupt the consensus splice site are a relatively common cause of aberrant splicing (PMID: 17576681, 9536098). Algorithms developed to predict the effect of sequence changes on RNA splicing suggest that this variant is not likely to affect RNA splicing. In summary, the available evidence is currently insufficient to determine the role of this variant in disease. Therefore, it has been classified as a Variant of Uncertain Significance.

Literature cited by the submitters: PubMed 17576681; PubMed 9536098.

NM_002979.5(SCP2):c.973+5C>T

Gene: SCP2 (sterol carrier protein 2; plus strand). Cytogenetic location: 1p32.3.
Variant type: single nucleotide variant.
Coding change: c.973+5C>T on transcript NM_002979.5 (MANE Select); 5 bases into the intron after coding-DNA position 973, C replaced by T.
Molecular consequence: intron variant.
Genome position (GRCh38, 1-based): chr1:52,980,548, C>T. VCF-style: chr1-52980548-C-T. GRCh37 (hg19) VCF-style: chr1-53446220-C-T.
Other names: c.841+5C>T (NM_001193600.2, NM_001007098.3); c.901+5C>T (NM_001193599.2); c.730+5C>T (NM_001193617.2); c.973+5C>T (NM_001330587.2).
Identifiers: ClinVar variation 3656105 (VCV003656105.2).